The following is an entry in ClinVar:

NM_021076.4(NEFH):c.712G>A (p.Val238Met)

Gene: NEFH (neurofilament heavy chain; plus strand). Cytogenetic location: 22q12.2.
Variant type: single nucleotide variant.
Coding change: c.712G>A on transcript NM_021076.4 (MANE Select); coding-DNA position 712, G replaced by A.
Protein change: p.Val238Met; replaces valine 238 with methionine.
Molecular consequence: missense variant.
Genome position (GRCh38, 1-based): chr22:29,480,974, G>A. VCF-style: chr22-29480974-G-A. GRCh37 (hg19) VCF-style: chr22-29876963-G-A.
Other names: short protein forms V238M.
Identifiers: ClinVar variation 4745655 (VCV004745655.1).

ClinVar aggregate classification (germline): Uncertain significance (1 of 4 stars; one submission).

gnomAD v4.1: 4 of 1,531,698 alleles (0.00026%); highest among the groups gnomAD compares: Admixed American, 0.002%; no homozygotes.

Submission:

Labcorp Genetics (formerly Invitae), Labcorp
Classification: Uncertain significance. Last evaluated: 2025-07-25. Review status: criteria provided, single submitter. Criteria: Invitae Variant Classification Sherloc (09022015). Collection method: clinical testing. Allele origin: germline.
Comment: This sequence change replaces valine, which is neutral and non-polar, with methionine, which is neutral and non-polar, at codon 238 of the NEFH protein (p.Val238Met). This variant is present in population databases (no rsID available, gnomAD 0.004%). This variant has not been reported in the literature in individuals affected with NEFH-related conditions. Invitae Evidence Modeling of protein sequence and biophysical properties (such as structural, functional, and spatial information, amino acid conservation, physicochemical variation, residue mobility, and thermodynamic stability) indicates that this missense variant is not expected to disrupt NEFH protein function with a negative predictive value of 95%. In summary, the available evidence is currently insufficient to determine the role of this variant in disease. Therefore, it has been classified as a Variant of Uncertain Significance.